The following is an entry in ClinVar:

ClinVar aggregate classification (germline): Conflicting classifications of pathogenicity. Review status: criteria provided, conflicting classifications (1 of 4 stars). 10 submissions from 10 submitters: Uncertain significance (6); Likely benign (3). 1 of the submissions does not count toward it. Last evaluated 2026-02-02.

Conditions:
Cardiovascular phenotype. Identifiers: MedGen CN230736.
Cardiomyopathy (CMYO). Also called: Cardiomyopathies. Identifiers: Orphanet 167848, MedGen C0878544, MONDO:0004994, HP:0001638. Inheritance: Various modes of inheritance.
Wolff-Parkinson-White pattern. Also called: Auriculoventricular accessory pathway syndrome; False bundle branch block syndrome; Anomalous ventricular excitation syndrome; WPW SYNDROME. Identifiers: MedGen C0043202, MONDO:0008685, OMIM 194200, HP:0001716.
Lethal congenital glycogen storage disease of heart. Also called: GLYCOGEN STORAGE DISEASE OF HEART; PHOSPHORYLASE KINASE DEFICIENCY OF HEART. Identifiers: Orphanet 439854, MedGen C1849813, MONDO:0009867, OMIM 261740.
Hypertrophic cardiomyopathy. Also called: HYPERTROPHIC MYOCARDIOPATHY. Identifiers: Orphanet 217569, MedGen C0007194, MeSH D002312, MONDO:0005045, HP:0001639.

Allele frequency attached by ClinVar (database versions not stated): gnomAD 0.00007 and 0.00008; gnomAD exomes 0.00007 and 0.00011; TOPMed 0.00008; ExAC 0.00012.
gnomAD v4.1: 110 of 1,612,214 alleles (0.0068%); highest among the groups gnomAD compares: Admixed American, 0.023%; no homozygotes.

Submissions (10):

Labcorp Genetics (formerly Invitae), Labcorp
Classification: Likely benign for Lethal congenital glycogen storage disease of heart. Last evaluated: 2026-02-02. Review status: criteria provided, single submitter. Criteria: Invitae Variant Classification Sherloc (09022015). Collection method: clinical testing. Allele origin: germline.

All of Us Research Program, National Institutes of Health
Classification: Uncertain significance for Hypertrophic cardiomyopathy. Last evaluated: 2024-09-23. Review status: criteria provided, single submitter. Criteria: ACMG Guidelines, 2015. Collection method: clinical testing. Allele origin: germline. Inheritance: Autosomal dominant inheritance. Observed: 46 variant alleles, 46 heterozygotes.
Comment: This missense variant replaces asparagine with serine at codon 435 of the PRKAG2 protein. Computational prediction tools indicate that this variant has a neutral impact on protein structure and function. To our knowledge, functional studies have not been reported for this variant. This variant has been reported in one individual and in one relative affected with hypertrophic cardiomyopathy (PMID: 29121657); both of these individuals also carried a pathogenic variant in the MYH7 gene. This variant has been identified in 29/282876 chromosomes in the general population by the Genome Aggregation Database (gnomAD). The elevated variant allele frequency in the general population indicates that this variant may not be disease-causing. However, additional studies are necessary to determine the role of this variant in disease conclusively. Therefore, this variant is classified as a Variant of Uncertain Significance.

This study involves interpretation of variants in research participants for the purpose of population health screening. Participant phenotype was not available at the time of variant classification. Additional details can be found in publication PMID: 35346344, PMCID: PMC8962531

Blueprint Genetics
Classification: Likely benign. Last evaluated: 2024-07-09. Review status: criteria provided, single submitter. Criteria: ACMG Guidelines, 2015. Collection method: clinical testing. Allele origin: germline.

Color Diagnostics, LLC DBA Color Health
Classification: Uncertain significance for Cardiomyopathy. Last evaluated: 2024-02-06. Review status: criteria provided, single submitter. Criteria: ACMG Guidelines, 2015. Collection method: clinical testing. Allele origin: germline.
Comment: This missense variant replaces asparagine with serine at codon 435 of the PRKAG2 protein. Computational prediction tools indicate that this variant has a neutral impact on protein structure and function. To our knowledge, functional studies have not been reported for this variant. This variant has been reported in one individual and in one relative affected with hypertrophic cardiomyopathy (PMID: 29121657); both of these individuals also carried a pathogenic variant in the MYH7 gene. This variant has been identified in 29/282876 chromosomes in the general population by the Genome Aggregation Database (gnomAD). The elevated variant allele frequency in the general population indicates that this variant may not be disease-causing. However, additional studies are necessary to determine the role of this variant in disease conclusively. Therefore, this variant is classified as a Variant of Uncertain Significance.

Ambry Genetics
Classification: Likely benign for Cardiovascular phenotype. Last evaluated: 2023-10-26. Review status: criteria provided, single submitter. Criteria: Ambry Variant Classification Scheme 2023. Collection method: clinical testing. Allele origin: germline.

CHEO Genetics Diagnostic Laboratory, Children's Hospital of Eastern Ontario
Classification: Uncertain significance for Cardiomyopathy. Last evaluated: 2022-03-14. Review status: criteria provided, single submitter. Criteria: ACMG Guidelines, 2015. Collection method: clinical testing. Allele origin: germline.

GeneDx
Classification: Uncertain significance. Last evaluated: 2020-11-06. Review status: criteria provided, single submitter. Criteria: GeneDx Variant Classification Process June 2021. Collection method: clinical testing. Allele origin: germline. Affected: yes.
Comment: In silico analysis, which includes protein predictors and evolutionary conservation, supports a deleterious effect; Reported in ClinVar (ClinVar Variant ID# 167533; Landrum et al., 2016); This variant is associated with the following publications: (PMID: 29121657)

Centre for Mendelian Genomics, University Medical Centre Ljubljana
Classification: Uncertain significance for Wolff-Parkinson-White pattern. Last evaluated: 2019-06-21. Review status: criteria provided, single submitter. Criteria: ACMG Guidelines, 2015. Collection method: clinical testing. Allele origin: unknown. Affected: yes.
Comment: This variant was classified as: Uncertain significance. The available evidence on this variant's pathogenicity is insufficient or conflicting. The following ACMG criteria were applied in classifying this variant: PP3. This variant was detected in homozygous state.

Eurofins Ntd Llc (ga)
Classification: Uncertain significance. Last evaluated: 2014-02-07. Review status: criteria provided, single submitter. Criteria: EGL Classification Definitions 2015. Collection method: clinical testing. Allele origin: germline. Observed: 1 variant allele, 1 heterozygote.

Mayo Clinic Laboratories, Mayo Clinic
Classification: Uncertain significance. Last evaluated: 2017-06-07. Review status: no assertion criteria provided. Collection method: clinical testing. Allele origin: unknown. Not counted in ClinVar's aggregate classification.

Literature cited by the submitters: PubMed 29121657 (cited by 3 submitters).

NM_016203.4(PRKAG2):c.1304A>G (p.Asn435Ser)

Gene: PRKAG2 (protein kinase AMP-activated non-catalytic subunit gamma 2; minus strand). Cytogenetic location: 7q36.1.
Variant type: single nucleotide variant.
Coding change: c.1304A>G on transcript NM_016203.4 (MANE Select); coding-DNA position 1304, A replaced by G.
Protein change: p.Asn435Ser; replaces asparagine 435 with serine.
Molecular consequence: missense variant.
Genome position (GRCh38, 1-based): chr7:151,565,815, T>C on the plus strand (A>G on the coding strand, the complement: PRKAG2 is on the minus strand). VCF-style: chr7-151565815-T-C. GRCh37 (hg19) VCF-style: chr7-151262901-T-C.
Other names: p.N435S:AAC>AGC; c.1172A>G, p.Asn391Ser (NM_001040633.2); c.929A>G, p.Asn310Ser (NM_001304527.2); c.581A>G, p.Asn194Ser (NM_001304531.2, NM_024429.2); c.932A>G, p.Asn311Ser (NM_001363698.2); short protein forms N435S, N310S, N311S, N391S, N194S.
Identifiers: ClinVar variation 167533 (VCV000167533.36), dbSNP rs200589374, ClinGen allele CA013708.